The following is an entry in ClinVar:

ClinVar aggregate classification (germline): Uncertain significance (1 of 4 stars; one submission).

Conditions:
Hereditary cancer-predisposing syndrome. Also called: Neoplastic Syndromes, Hereditary; Hereditary Cancer Syndrome; Tumor predisposition; Hereditary neoplastic syndrome. Identifiers: Orphanet 140162, MedGen C0027672, MeSH D009386, MONDO:0015356.

Submission:

Labcorp Genetics (formerly Invitae), Labcorp
Classification: Uncertain significance for Hereditary cancer-predisposing syndrome. Last evaluated: 2021-09-03. Review status: criteria provided, single submitter. Criteria: Invitae Variant Classification Sherloc (09022015). Collection method: clinical testing. Allele origin: germline.
Comment: This sequence change falls in intron 10 of the RAD50 gene. It does not directly change the encoded amino acid sequence of the RAD50 protein. It affects a nucleotide within the consensus splice site of the intron. Variants that disrupt the consensus splice site are a relatively common cause of aberrant splicing (PMID: 17576681, 9536098). Algorithms developed to predict the effect of sequence changes on RNA splicing suggest that this variant is not likely to affect RNA splicing. In summary, the available evidence is currently insufficient to determine the role of this variant in disease. Therefore, it has been classified as a Variant of Uncertain Significance. This variant has not been reported in the literature in individuals affected with RAD50-related conditions. This variant is not present in population databases (ExAC no frequency).

Literature cited by the submitters: PubMed 17576681; PubMed 9536098.

NM_005732.4(RAD50):c.1635+4T>C

Gene: RAD50 (RAD50 double strand break repair protein; plus strand). Cytogenetic location: 5q31.1.
Variant type: single nucleotide variant.
Coding change: c.1635+4T>C on transcript NM_005732.4 (MANE Select); 4 bases into the intron after coding-DNA position 1635, T replaced by C.
Molecular consequence: intron variant.
Genome position (GRCh38, 1-based): chr5:132,591,410, T>C. VCF-style: chr5-132591410-T-C. GRCh37 (hg19) VCF-style: chr5-131927102-T-C.
Identifiers: ClinVar variation 1379411 (VCV001379411.6), dbSNP rs2149842386, ClinGen allele CA2573138996.